The following is an entry in ClinVar:

ClinVar aggregate classification (germline): Pathogenic/Likely pathogenic. Review status: criteria provided, multiple submitters, no conflicts (2 of 4 stars). 5 submissions from 5 submitters: Pathogenic (2); Likely pathogenic (3). Last evaluated 2026-09-18.

Conditions:
Autosomal recessive limb-girdle muscular dystrophy type 2J (LGMDR10). Also called: Limb-girdle muscular dystrophy, type 2J; MUSCULAR DYSTROPHY, LIMB-GIRDLE, AUTOSOMAL RECESSIVE 10. Identifiers: Orphanet 140922, MedGen C1837342, MONDO:0012127, OMIM 608807.
Dilated cardiomyopathy 1G (CMD1G). Identifiers: Orphanet 154, MedGen C1858763, MONDO:0011400, OMIM 604145.
TTN-related disorder. Also called: TTN-related condition; TTN-related disease; TTN-related disorders.
Cardiovascular phenotype. Identifiers: MedGen CN230736.

gnomAD v4.1: 3 of 1,612,572 alleles (0.00019%); highest among the groups gnomAD compares: East Asian, 0.0022%; no homozygotes.

Submissions (5):

PreventionGenetics, part of Exact Sciences
Classification: Pathogenic for TTN-related condition. Last evaluated: 2026-09-18. Review status: criteria provided, single submitter. Criteria: ACMG Guidelines, 2015. Collection method: clinical testing. Allele origin: germline.
Comment: The TTN c.54067C>T variant is predicted to result in premature protein termination (p.Arg18023*). This variant was reported with a causative canonical splice variant in an individual with muscular dystrophy (reported as p.Arg15455Ter in Supplementary Table 1, Wu et al. 2018. PubMed ID: 29382405). This variant was also reported in the heterozygous state in an individual with dilated cardiomyopathy (DCM) (Supplementary Table IV, Bourfiss et al. 2022. PubMed ID: 36264615). This variant has not been reported in a large population database (gnomAD), indicating this variant is rare. This variant is located in the A-band region of the protein in which truncating TTN variants have been found more frequently in dilated cardiomyopathy patients than in controls (Herman et al. 2012. PubMed ID: 22335739). RNAseq studies from heart tissue indicate this exon is commonly included in TTN mRNA transcripts (PSI of 100%, Roberts et al. 2015. PubMed ID: 25589632). TTN loss-of-function variants occurring in constitutively expressed exons (PSI > 90%) are more likely to be disease causing for TTN cardiac-related disorders regardless of band location (Roberts et al. 2015. PubMed ID: 25589632; Schafer et al. 2017. PubMed ID: 27869827; Akhtar et al. 2020. PubMed ID: 32964742). Many cases of recessive TTN-related myopathies in which the individual is compound heterozygous for two loss-of-function variants in TTN have also been reported (Ge et al. 2019. PubMed ID: 31053406; Oates et al. 2018. PubMed ID: 29691892; Rees et al. 2021. PubMed ID: 33449170). In summary, this variant is categorized as pathogenic. Of note, this variant is considered pathogenic for increased risk of TTN- related cardiac disorders, and also for autosomal recessive TTN-related congenital titinopathies.

Labcorp Genetics (formerly Invitae), Labcorp
Classification: Pathogenic for Dilated cardiomyopathy 1G; Autosomal recessive limb-girdle muscular dystrophy type 2J. Last evaluated: 2025-10-13. Review status: criteria provided, single submitter. Criteria: Invitae Variant Classification Sherloc (09022015). Collection method: clinical testing. Allele origin: germline.
Comment: This sequence change creates a premature translational stop signal (p.Arg18023*) in the TTN gene. While this is not anticipated to result in nonsense mediated decay, it is expected to create a truncated TTN protein. This variant is not present in population databases (gnomAD no frequency). This premature translational stop signal has been observed in individuals with clinical features of myopathy and dilated cardiomyopathy (PMID: 29382405; internal data). ClinVar contains an entry for this variant (Variation ID: 466638). This variant is located in the A band of TTN (PMID: 25589632). Truncating variants in this region are significantly overrepresented in patients affected with dilated cardiomyopathy (PMID: 25589632). Truncating variants in this region have also been reported in individuals affected with autosomal recessive centronuclear myopathy (PMID: 23975875). For these reasons, this variant has been classified as Pathogenic.

GeneDx
Classification: Likely pathogenic. Last evaluated: 2025-03-29. Review status: criteria provided, single submitter. Criteria: GeneDx Variant Classification Process June 2021. Collection method: clinical testing. Allele origin: germline. Affected: yes.
Comment: Reported as c.46363C>T (p.Arg15455Ter) in a patient with teenage-onset myalgias, recurrent rhabdomyolysis, progressive proximal weakness, atrial fibrillation, and congestive heart failure who harbors an additional pathogenic TTN splice site variant (PMID: 29382405); Not observed at significant frequency in large population cohorts (gnomAD); Nonsense variant predicted to result in protein truncation or nonsense mediated decay in a gene for which loss of function is a known mechanism of disease; Located in the A-band, a region of TTN for which truncating variants are significantly associated with autosomal dominant cardiomyopathy and also with autosomal recessive skeletal myopathies (PMID: 22335739, 32778822); This variant is associated with the following publications: (PMID: 31589614, 36264615, 29382405, 22335739, 32778822)

Ambry Genetics
Classification: Likely pathogenic for Cardiovascular phenotype. Last evaluated: 2020-09-10. Review status: criteria provided, single submitter. Criteria: Ambry Variant Classification Scheme 2023. Collection method: clinical testing. Allele origin: germline.
Comment: The p.R8958* variant (also known as c.26872C>T), located in coding exon 107 of the TTN gene, results from a C to T substitution at nucleotide position 26872. This changes the amino acid from an arginine to a stop codon within coding exon 107. This exon is located in the A-band region of the N2-B isoform of the titin protein and is constitutively expressed in TTN transcripts (percent spliced in or PSI 100%). This variant (referred to as p.Arg15455Ter, c.4636C>T) co-occurred with a TTN canonical splice site alteration in an individual with muscle weakness, myalgias, atrial fibrillation, and heart failure (Wu L et al. Can J Neurol Sci, 2018 05;45:262-268). This alteration is expected to result in loss of function by premature protein truncation or nonsense-mediated mRNA decay. While truncating variants in TTN are present in 1-3% of the general population, truncating variants in the A-band are the most common cause of dilated cardiomyopathy (DCM) (Herman DS et al. N. Engl. J. Med., 2012 Feb;366:619-28; Roberts AM et al. Sci Transl Med, 2015 Jan;7:270ra6). TTN truncating variants encoded in constitutive exons (PSI >90%) have been found to be significantly associated with DCM regardless of their position in titin (Schafer S et al. Nat. Genet., 2017 01;49:46-53). As such, this alteration is classified as likely pathogenic.

Blueprint Genetics
Classification: Likely pathogenic for TTN-related disorders. Last evaluated: 2019-12-03. Review status: criteria provided, single submitter. Criteria: ACMG Guidelines, 2015. Collection method: clinical testing. Allele origin: germline. Affected: yes. Observed: 1 variant allele.

Literature cited by the submitters: PubMed 29382405 (cited by Labcorp Genetics (formerly Invitae), Labcorp and Ambry Genetics); PubMed 25589632 (cited by Labcorp Genetics (formerly Invitae), Labcorp); PubMed 23975875 (cited by Labcorp Genetics (formerly Invitae), Labcorp).

NM_001267550.2(TTN):c.54067C>T (p.Arg18023Ter)

Genes: TTN (titin; minus strand), TTN-AS1 (TTN antisense RNA 1; plus strand). Cytogenetic location: 2q31.2.
Variant type: single nucleotide variant.
Coding change: c.54067C>T on transcript NM_001267550.2 (MANE Select); coding-DNA position 54067, C replaced by T.
Protein change: p.Arg18023Ter; replaces arginine 18023 with a stop codon.
Molecular consequence: nonsense. On other transcripts: non-coding transcript variant (1).
Genome position (GRCh38, 1-based): chr2:178,605,110, G>A on the plus strand (C>T on the coding strand, the complement: TTN is on the minus strand). VCF-style: chr2-178605110-G-A. GRCh37 (hg19) VCF-style: chr2-179469837-G-A.
Other names: c.49144C>T, p.Arg16382Ter (NM_001256850.1); c.26872C>T, p.Arg8958Ter (NM_003319.4); c.46363C>T, p.Arg15455Ter (NM_133378.4); c.27247C>T, p.Arg9083Ter (NM_133432.3); c.27448C>T, p.Arg9150Ter (NM_133437.4); c.54067C>T (NM_001267550.1); short protein forms R18023*, R15455*, R8958*, R9083*, R16382*, R9150*.
Identifiers: ClinVar variation 466638 (VCV000466638.16), dbSNP rs1553682168, ClinGen allele CA349556213.